The following is an entry in ClinVar:

NM_001081550.2(THOC2):c.2596T>A (p.Ser866Thr)

Gene: THOC2 (THO complex subunit 2; minus strand). Cytogenetic location: Xq25.
Variant type: single nucleotide variant.
Coding change: c.2596T>A on transcript NM_001081550.2 (MANE Select); coding-DNA position 2596, T replaced by A.
Protein change: p.Ser866Thr; replaces serine 866 with threonine.
Molecular consequence: missense variant.
Genome position (GRCh38, 1-based): chrX:123,627,854, A>T on the plus strand (T>A on the coding strand, the complement: THOC2 is on the minus strand). VCF-style: chrX-123627854-A-T. GRCh37 (hg19) VCF-style: chrX-122761705-A-T.
Other names: short protein forms S866T.
Identifiers: ClinVar variation 3392904 (VCV003392904.3).

ClinVar aggregate classification (germline): Uncertain significance (1 of 4 stars; one submission).

Submission:

GeneDx
Classification: Uncertain significance. Last evaluated: 2026-09-29. Review status: criteria provided, single submitter. Criteria: GeneDx Variant Classification Process June 2021. Collection method: clinical testing. Allele origin: germline.
Comment: Not observed at significant frequency in large population cohorts (gnomAD); In silico analysis suggests that this missense variant does not alter protein structure/function; Has not been previously published as pathogenic or benign to our knowledge